The following is an entry in ClinVar:

ClinVar aggregate classification (germline): Uncertain significance. Review status: criteria provided, multiple submitters, no conflicts (2 of 4 stars). 2 submissions from 2 submitters: Uncertain significance (2). Last evaluated 2024-08-14.

Conditions:
POLD1-related polyposis and colorectal cancer syndrome (CRCS10). Also called: Colorectal cancer, susceptibility to, 10; Colorectal cancer 10; COLORECTAL CANCER, SUSCEPTIBILITY TO, ON CHROMOSOME 19q. Identifiers: Orphanet 220460, MedGen C2675481, MONDO:0012953, OMIM 612591.
Hereditary cancer-predisposing syndrome. Also called: Tumor predisposition; Hereditary Cancer Syndrome; Hereditary neoplastic syndrome; Neoplastic Syndromes, Hereditary. Identifiers: Orphanet 140162, MedGen C0027672, MeSH D009386, MONDO:0015356.

Allele frequency attached by ClinVar (database versions not stated): gnomAD 0.00001; ExAC 0.00005; gnomAD exomes 0.00001; 1000 Genomes Project 30x 0.00031; 1000 Genomes Project 0.00020.

Submissions (2):

Ambry Genetics
Classification: Uncertain significance for Hereditary cancer-predisposing syndrome. Last evaluated: 2024-08-14. Review status: criteria provided, single submitter. Criteria: Ambry Variant Classification Scheme 2023. Collection method: clinical testing. Allele origin: germline.
Comment: The p.Q1038R variant (also known as c.3113A>G), located in coding exon 24 of the POLD1 gene, results from an A to G substitution at nucleotide position 3113. The glutamine at codon 1038 is replaced by arginine, an amino acid with highly similar properties. This amino acid position is conserved. In addition, this alteration is predicted to be tolerated by in silico analysis. Based on the available evidence, the clinical significance of this variant remains unclear.

Labcorp Genetics (formerly Invitae), Labcorp
Classification: Uncertain significance for POLD1-related polyposis and colorectal cancer syndrome. Last evaluated: 2024-03-28. Review status: criteria provided, single submitter. Criteria: Invitae Variant Classification Sherloc (09022015). Collection method: clinical testing. Allele origin: germline.
Comment: This sequence change replaces glutamine, which is neutral and polar, with arginine, which is basic and polar, at codon 1038 of the POLD1 protein (p.Gln1038Arg). This variant is not present in population databases (gnomAD no frequency). This variant has not been reported in the literature in individuals affected with POLD1-related conditions. ClinVar contains an entry for this variant (Variation ID: 1350520). Advanced modeling of protein sequence and biophysical properties (such as structural, functional, and spatial information, amino acid conservation, physicochemical variation, residue mobility, and thermodynamic stability) performed at Invitae indicates that this missense variant is not expected to disrupt POLD1 protein function with a negative predictive value of 80%. In summary, the available evidence is currently insufficient to determine the role of this variant in disease. Therefore, it has been classified as a Variant of Uncertain Significance.

NM_002691.4(POLD1):c.3113A>G (p.Gln1038Arg)

Gene: POLD1 (DNA polymerase delta 1, catalytic subunit; plus strand). Cytogenetic location: 19q13.33.
Variant type: single nucleotide variant.
Coding change: c.3113A>G on transcript NM_002691.4 (MANE Select); coding-DNA position 3113, A replaced by G.
Protein change: p.Gln1038Arg; replaces glutamine 1038 with arginine.
Molecular consequence: missense variant. On other transcripts: non-coding transcript variant (1).
Genome position (GRCh38, 1-based): chr19:50,417,090, A>G. VCF-style: chr19-50417090-A-G. GRCh37 (hg19) VCF-style: chr19-50920347-A-G.
Other names: c.3113A>G (NM_002691.2); c.3113A>G, p.Gln1038Arg (NM_001256849.1); c.3191A>G, p.Gln1064Arg (NM_001308632.1); short protein forms Q1064R, Q1038R.
Identifiers: ClinVar variation 1350520 (VCV001350520.9), dbSNP rs201139477, ClinGen allele CA9596750.